The following is an entry in ClinVar:

NM_014946.4(SPAST):c.152A>G (p.Tyr51Cys)

Gene: SPAST (spastin; plus strand). Cytogenetic location: 2p22.3.
Variant type: single nucleotide variant.
Coding change: c.152A>G on transcript NM_014946.4 (MANE Select); coding-DNA position 152, A replaced by G.
Protein change: p.Tyr51Cys; replaces tyrosine 51 with cysteine.
Molecular consequence: missense variant.
Genome position (GRCh38, 1-based): chr2:32,063,983, A>G. VCF-style: chr2-32063983-A-G. GRCh37 (hg19) VCF-style: chr2-32289052-A-G.
Other names: c.152A>G, p.Tyr51Cys (NM_001363823.2, NM_001363875.2, NM_001377959.1 and 1 more transcripts); short protein forms Y51C.
Identifiers: ClinVar variation 835946 (VCV000835946.10), dbSNP rs1356486929, ClinGen allele CA346601485.
Genomic context (GRCh38, chr2:32,063,983, plus strand): 5'-CCGCCCCTCCCGCCGCCGGGCCGGCCCCTCCGCCCGAGTCGCCGCATAAGCGGAACCTGT[A>G]CTATTTCTCCTACCCGCTGTTTGTAGGCTTCGCGCTGCTGCGTTTGGTCGCCTTCCACCT-3'
Protein context (NP_055761.2, residues 41-61): PPESPHKRNL[Tyr51Cys]YFSYPLFVGF

ClinVar aggregate classification (germline): Uncertain significance. Review status: criteria provided, multiple submitters, no conflicts (2 of 4 stars). 2 submissions from 2 submitters: Uncertain significance (2). Last evaluated 2023-06-09.

Conditions:
Hereditary spastic paraplegia 4. Also called: Spastic Paraplegia 4; Familial spastic paraplegia autosomal dominant 2; Spastic paraplegia 4, autosomal dominant. Identifiers: Orphanet 100985, MedGen C1866855, MONDO:0008438, OMIM 182601.

Allele frequency attached by ClinVar (database versions not stated): gnomAD exomes below 0.00001.
gnomAD v4.1: 3 of 1,613,122 alleles (0.00019%); highest among the groups gnomAD compares: Non-Finnish European, 0.00025%; no homozygotes.

Submissions (2):

Labcorp Genetics (formerly Invitae), Labcorp
Classification: Uncertain significance for Hereditary spastic paraplegia 4. Last evaluated: 2023-06-09. Review status: criteria provided, single submitter. Criteria: Invitae Variant Classification Sherloc (09022015). Collection method: clinical testing. Allele origin: germline.
Comment: ClinVar contains an entry for this variant (Variation ID: 835946). This variant has not been reported in the literature in individuals affected with SPAST-related conditions. This variant is present in population databases (no rsID available, gnomAD 0.0009%). This sequence change replaces tyrosine, which is neutral and polar, with cysteine, which is neutral and slightly polar, at codon 51 of the SPAST protein (p.Tyr51Cys). Advanced modeling of protein sequence and biophysical properties (such as structural, functional, and spatial information, amino acid conservation, physicochemical variation, residue mobility, and thermodynamic stability) performed at Invitae indicates that this missense variant is not expected to disrupt SPAST protein function. In summary, the available evidence is currently insufficient to determine the role of this variant in disease. Therefore, it has been classified as a Variant of Uncertain Significance.

Blueprint Genetics
Classification: Uncertain significance. Last evaluated: 2021-04-30. Review status: criteria provided, single submitter. Criteria: ACMG Guidelines, 2015. Collection method: clinical testing. Allele origin: germline.